The following is an entry in ClinVar:

NM_002693.3(POLG):c.1438A>G (p.Lys480Glu)

Gene: POLG (DNA polymerase gamma, catalytic subunit; minus strand). Cytogenetic location: 15q26.1.
Variant type: single nucleotide variant.
Coding change: c.1438A>G on transcript NM_002693.3 (MANE Select); coding-DNA position 1438, A replaced by G.
Protein change: p.Lys480Glu; replaces lysine 480 with glutamic acid.
Molecular consequence: missense variant.
Genome position (GRCh38, 1-based): chr15:89,327,059, T>C on the plus strand (A>G on the coding strand, the complement: POLG is on the minus strand). VCF-style: chr15-89327059-T-C. GRCh37 (hg19) VCF-style: chr15-89870290-T-C.
Other names: c.1438A>G, p.Lys480Glu (NM_001126131.2); short protein forms K480E.
Identifiers: ClinVar variation 2712682 (VCV002712682.5), dbSNP rs1463467386, ClinGen allele CA393761319.

ClinVar aggregate classification (germline): Uncertain significance. Review status: criteria provided, multiple submitters, no conflicts (2 of 4 stars). 3 submissions from 3 submitters: Uncertain significance (3). Last evaluated 2026-04-01.

Conditions:
Progressive sclerosing poliodystrophy (MTDPS4A). Also called: ALPERS PROGRESSIVE INFANTILE POLIODYSTROPHY; Alpers-Huttenlocher Syndrome (AHS); Mitochondrial DNA Depletion Syndrome 4A; NEURONAL DEGENERATION OF CHILDHOOD WITH LIVER DISEASE, PROGRESSIVE; Alpers Syndrome; Mitochondrial DNA depletion syndrome 4A (Alpers type). Identifiers: Orphanet 726, MedGen C0205710, MONDO:0008758, OMIM 203700.

Allele frequency attached by ClinVar (database versions not stated): gnomAD 0.00001; gnomAD exomes 0.00001; TOPMed 0.00001.

Submissions (3):

CeGaT Center for Human Genetics Tuebingen
Classification: Uncertain significance. Last evaluated: 2026-04-01. Review status: criteria provided, single submitter. Criteria: CeGaT Center For Human Genetics Tuebingen Variant Classification Criteria Version 2. Collection method: clinical testing. Allele origin: germline. Affected: yes. Observed: 1 variant allele.
Comment: POLG: PM2

Labcorp Genetics (formerly Invitae), Labcorp
Classification: Uncertain significance for Progressive sclerosing poliodystrophy. Last evaluated: 2023-12-19. Review status: criteria provided, single submitter. Criteria: Invitae Variant Classification Sherloc (09022015). Collection method: clinical testing. Allele origin: germline.
Comment: This sequence change replaces lysine, which is basic and polar, with glutamic acid, which is acidic and polar, at codon 480 of the POLG protein (p.Lys480Glu). This variant is present in population databases (no rsID available, gnomAD 0.002%). This variant has not been reported in the literature in individuals affected with POLG-related conditions. Advanced modeling of protein sequence and biophysical properties (such as structural, functional, and spatial information, amino acid conservation, physicochemical variation, residue mobility, and thermodynamic stability) has been performed at Invitae for this missense variant, however the output from this modeling did not meet the statistical confidence thresholds required to predict the impact of this variant on POLG protein function. In summary, the available evidence is currently insufficient to determine the role of this variant in disease. Therefore, it has been classified as a Variant of Uncertain Significance.

Blueprint Genetics
Classification: Uncertain significance. Last evaluated: 2023-05-24. Review status: criteria provided, single submitter. Criteria: ACMG Guidelines, 2015. Collection method: clinical testing. Allele origin: germline.